The following is an entry in ClinVar:

ClinVar aggregate classification (germline): Uncertain significance (1 of 4 stars; one submission).

Conditions:
CYP27A1-related disorder. Also called: CYP27A1-related condition.

Submission:

PreventionGenetics, part of Exact Sciences
Classification: Uncertain significance for CYP27A1-related condition. Last evaluated: 2025-05-23. Review status: criteria provided, single submitter. Criteria: ACMG Guidelines, 2015. Collection method: clinical testing. Allele origin: germline.
Comment: The CYP27A1 c.1086C>G variant is predicted to result in the amino acid substitution p.His362Gln. To our knowledge, this variant has not been reported in the literature. This variant is reported in 0.00088% of alleles in individuals of European (Non-Finnish) descent in gnomAD. At this time, the clinical significance of this variant is uncertain due to the absence of conclusive functional and genetic evidence.

NM_000784.4(CYP27A1):c.1086C>G (p.His362Gln)

Gene: CYP27A1 (cytochrome P450 family 27 subfamily A member 1; plus strand). Cytogenetic location: 2q35.
Variant type: single nucleotide variant.
Coding change: c.1086C>G on transcript NM_000784.4 (MANE Select); coding-DNA position 1086, C replaced by G.
Protein change: p.His362Gln; replaces histidine 362 with glutamine.
Molecular consequence: missense variant.
Genome position (GRCh38, 1-based): chr2:218,814,089, C>G. VCF-style: chr2-218814089-C-G. GRCh37 (hg19) VCF-style: chr2-219678812-C-G.
Other names: short protein forms H362Q.
Identifiers: ClinVar variation 5002228 (VCV005002228.1).